The following is an entry in ClinVar:

ClinVar aggregate classification (germline): Uncertain significance (1 of 4 stars; one submission).

Submission:

Labcorp Genetics (formerly Invitae), Labcorp
Classification: Uncertain significance. Last evaluated: 2022-08-04. Review status: criteria provided, single submitter. Criteria: Invitae Variant Classification Sherloc (09022015). Collection method: clinical testing. Allele origin: germline.
Comment: In summary, the available evidence is currently insufficient to determine the role of this variant in disease. Therefore, it has been classified as a Variant of Uncertain Significance. Algorithms developed to predict the effect of sequence changes on RNA splicing suggest that this variant may disrupt the consensus splice site. This variant has not been reported in the literature in individuals affected with ARSG-related conditions. This variant is not present in population databases (gnomAD no frequency). This sequence change falls in intron 8 of the ARSG gene. It does not directly change the encoded amino acid sequence of the ARSG protein.

NM_001267727.2(ARSG):c.983-8T>G

Gene: ARSG (arylsulfatase G; plus strand). Cytogenetic location: 17q24.2.
Variant type: single nucleotide variant.
Coding change: c.983-8T>G on transcript NM_001267727.2 (MANE Select); 8 bases into the intron before coding-DNA position 983, T replaced by G.
Molecular consequence: intron variant.
Genome position (GRCh38, 1-based): chr17:68,385,056, T>G. VCF-style: chr17-68385056-T-G. GRCh37 (hg19) VCF-style: chr17-66381197-T-G.
Other names: c.980-8T>G (NM_001352904.2, NM_001352903.2, NM_001352905.2 and 2 more transcripts); c.983-8T>G (NM_014960.5, NM_001352910.2, NM_001352899.2 and 3 more transcripts); c.935-8T>G (NM_001352909.2).
Identifiers: ClinVar variation 1942227 (VCV001942227.5), dbSNP rs974192397, ClinGen allele CA293312639.
Genomic context (GRCh38, chr17:68,385,056, plus strand): 5'-GCTCTTAGCTGAAAAGAAGTCTCGAGTTATCACCATGGATGAACCAGCTGCCTCCCCTCC[T>G]CTCACAGGGGGAAGTCCAGCCAAGCAGACGACCTGGGAAGGAGGGCACCGGGTCCCAGCA-3'